The following is an entry in ClinVar:

ClinVar aggregate classification (germline): Uncertain significance. Review status: criteria provided, multiple submitters, no conflicts (2 of 4 stars). 2 submissions from 2 submitters: Uncertain significance (2). Last evaluated 2022-04-18.

Allele frequency attached by ClinVar (database versions not stated): ExAC 0.00001; gnomAD 0.00001; gnomAD exomes 0.00001 and below 0.00001.
gnomAD v4.1: 14 of 1,613,408 alleles (0.00087%); highest among the groups gnomAD compares: Non-Finnish European, 0.0012%; no homozygotes.

Submissions (2):

Revvity Omics, Revvity
Classification: Uncertain significance. Last evaluated: 2022-04-18. Review status: criteria provided, single submitter. Criteria: ACMG Guidelines, 2015. Collection method: clinical testing. Allele origin: germline.

GeneDx
Classification: Uncertain significance. Last evaluated: 2020-12-18. Review status: criteria provided, single submitter. Criteria: GeneDx Variant Classification Process June 2021. Collection method: clinical testing. Allele origin: germline. Affected: yes.
Comment: Not observed at a significant frequency in large population cohorts (Lek et al., 2016); Missense variant in a gene in which most reported pathogenic variants are truncating/loss-of-function; Has not been previously published as pathogenic or benign to our knowledge; The M22753V variant is located in the A-band of the titin protein, where the majority of pathogenic truncating variants have been reported.

NM_001267550.2(TTN):c.75961A>G (p.Met25321Val)

Genes: TTN (titin; minus strand), TTN-AS1 (TTN antisense RNA 1; plus strand). Cytogenetic location: 2q31.2.
Variant type: single nucleotide variant.
Coding change: c.75961A>G on transcript NM_001267550.2 (MANE Select); coding-DNA position 75961, A replaced by G.
Protein change: p.Met25321Val; replaces methionine 25321 with valine.
Molecular consequence: missense variant.
Genome position (GRCh38, 1-based): chr2:178,570,171, T>C on the plus strand (A>G on the coding strand, the complement: TTN is on the minus strand). VCF-style: chr2-178570171-T-C. GRCh37 (hg19) VCF-style: chr2-179434898-T-C.
Other names: c.71038A>G, p.Met23680Val (NM_001256850.1); c.48766A>G, p.Met16256Val (NM_003319.4); c.68257A>G, p.Met22753Val (NM_133378.4); c.49141A>G, p.Met16381Val (NM_133432.3); c.49342A>G, p.Met16448Val (NM_133437.4); short protein forms M16256V, M16381V, M16448V, M22753V, M23680V, M25321V.
Identifiers: ClinVar variation 1303497 (VCV001303497.4), dbSNP rs769235958, ClinGen allele CA1989978.
Genomic context (GRCh38, chr2:178,570,171, plus strand): 5'-GAACATATCCAAGAATTTCACTACCACCATCAGATGCTGGTCTTTCCCATACAACAATCA[T>C]TGAGTCCTTGGTCACTGTTGTGACTTCTGGAGCTTTTGGTGCATCTGGTACTACAAATGG-3'
Protein context (NP_001254479.2, residues 25311-25331): PEVTTVTKDS[Met25321Val]IVVWERPASD